The following is an entry in ClinVar:

NM_000266.4(NDP):c.3G>A (p.Met1Ile)

Genes: NDP (norrin cystine knot growth factor NDP; minus strand), NDP-AS1 (NDP antisense RNA 1; plus strand). Cytogenetic location: Xp11.3.
Variant type: single nucleotide variant.
Coding change: c.3G>A on transcript NM_000266.4 (MANE Select); coding-DNA position 3, G replaced by A.
Protein change: p.Met1Ile; changes the start codon (methionine 1).
Molecular consequence: missense variant, initiator codon variant.
Genome position (GRCh38, 1-based): chrX:43,958,643, C>T on the plus strand (G>A on the coding strand, the complement: NDP is on the minus strand). VCF-style: chrX-43958643-C-T. GRCh37 (hg19) VCF-style: chrX-43817889-C-T.
Other names: c.3G>A (NM_000266.3); short protein forms M1I.
Identifiers: ClinVar variation 1687207 (VCV001687207.8), dbSNP rs2147209281, ClinGen allele CA413009366.

ClinVar aggregate classification (germline): Conflicting classifications of pathogenicity. Review status: criteria provided, conflicting classifications (1 of 4 stars). 3 submissions from 3 submitters: Pathogenic (1); Likely pathogenic (1); Uncertain significance (1). Last evaluated 2025-08-20.

Conditions:
Atrophia bulborum hereditaria (ND). Also called: EPISKOPI BLINDNESS; Norrie Disease (Classic Norrie Disease Ocular Phenotype with or without Extraocular Findings; Pseudoglioma; Norrie syndrome; Norrie-Warburg syndrome; Anderson-Warburg syndrome. Identifiers: Orphanet 649, MedGen C0266526, MONDO:0010691, OMIM 310600, HP:6000262.
NDP-related disorder. Also called: NDP-related condition.

Submissions (3):

PreventionGenetics, part of Exact Sciences
Classification: Likely pathogenic for NDP-related condition. Last evaluated: 2025-08-20. Review status: criteria provided, single submitter. Criteria: ACMG Guidelines, 2015. Collection method: clinical testing. Allele origin: germline.
Comment: The NDP c.3G>A variant is predicted to disrupt the translation initiation site (Start loss). To our knowledge, this variant has not been reported in the literature or in a large population database (gnomAD), indicating this variant is rare. An in-frame methionine (Met) occurs downstream of this variant (p.12). If utilized, it may reinstate translation. Alternate start loss variants (p.Met1Val, p.Met1Lys, p.Met1Thr, p.Met1Arg) have been reported in individuals with Norrie disease (Royer et al. 2003. PubMed ID: 14635119; Fangting et al. 2015. PubMed ID: 26547627; Schuback et al. 1995. PubMed ID: 7627181; Yang et al. 2019. PubMed ID: 31030433). Therefore, the c.3G>A start loss variant is interpreted as likely pathogenic.

Labcorp Genetics (formerly Invitae), Labcorp
Classification: Pathogenic. Last evaluated: 2022-07-25. Review status: criteria provided, single submitter. Criteria: Invitae Variant Classification Sherloc (09022015). Collection method: clinical testing. Allele origin: germline.
Comment: This sequence change affects the initiator methionine of the NDP mRNA. The next in-frame methionine is located at codon 12. This variant is not present in population databases (gnomAD no frequency). Disruption of the initiator codon has been observed in individuals with Norrie disease (PMID: 7627181, 7814011, 14635119, 26547627, 31030433). ClinVar contains an entry for this variant (Variation ID: 1687207). For these reasons, this variant has been classified as Pathogenic.

3billion
Classification: Uncertain significance for Atrophia bulborum hereditaria. Last evaluated: 2022-05-22. Review status: criteria provided, single submitter. Criteria: ACMG Guidelines, 2015. Collection method: clinical testing. Allele origin: germline. Affected: yes. Observed: 1 heterozygote.
Comment: While this variant leads to the loss of the start codon, it is predicted to produce a potential new start codon. Previously, pathogenic variants have been reported in the upstream region of the potential new start codon It is absent from the gnomAD v2.1.1 dataset. Therefore, this variant is classified as uncertain significanceaccording to the recommendation of ACMG/AMP guideline.

Literature cited by the submitters: PubMed 7627181 (cited by Labcorp Genetics (formerly Invitae), Labcorp); PubMed 7814011 (cited by Labcorp Genetics (formerly Invitae), Labcorp); PubMed 14635119 (cited by Labcorp Genetics (formerly Invitae), Labcorp); PubMed 26547627 (cited by Labcorp Genetics (formerly Invitae), Labcorp); PubMed 31030433 (cited by Labcorp Genetics (formerly Invitae), Labcorp).